The following is an entry in ClinVar:

ClinVar aggregate classification (germline): Uncertain significance (1 of 4 stars; one submission).

gnomAD v4.1: 7 of 1,613,598 alleles (0.00043%); highest among the groups gnomAD compares: African/African-American, 0.0013%; no homozygotes.

Submission:

Labcorp Genetics (formerly Invitae), Labcorp
Classification: Uncertain significance. Last evaluated: 2024-02-02. Review status: criteria provided, single submitter. Criteria: Invitae Variant Classification Sherloc (09022015). Collection method: clinical testing. Allele origin: germline.
Comment: This sequence change replaces glycine, which is neutral and non-polar, with arginine, which is basic and polar, at codon 424 of the LZTS1 protein (p.Gly424Arg). This variant is present in population databases (no rsID available, gnomAD 0.0009%). This variant has not been reported in the literature in individuals affected with LZTS1-related conditions. Advanced modeling of protein sequence and biophysical properties (such as structural, functional, and spatial information, amino acid conservation, physicochemical variation, residue mobility, and thermodynamic stability) performed at Invitae indicates that this missense variant is not expected to disrupt LZTS1 protein function with a negative predictive value of 80%. In summary, the available evidence is currently insufficient to determine the role of this variant in disease. Therefore, it has been classified as a Variant of Uncertain Significance.

NM_021020.5(LZTS1):c.1270G>C (p.Gly424Arg)

Gene: LZTS1 (leucine zipper tumor suppressor 1; minus strand). Cytogenetic location: 8p21.3.
Variant type: single nucleotide variant.
Coding change: c.1270G>C on transcript NM_021020.5 (MANE Select); coding-DNA position 1270, G replaced by C.
Protein change: p.Gly424Arg; replaces glycine 424 with arginine.
Molecular consequence: missense variant.
Genome position (GRCh38, 1-based): chr8:20,250,243, C>G on the plus strand (G>C on the coding strand, the complement: LZTS1 is on the minus strand). VCF-style: chr8-20250243-C-G. GRCh37 (hg19) VCF-style: chr8-20107754-C-G.
Other names: c.1270G>C, p.Gly424Arg (NM_001362884.2); short protein forms G424R.
Identifiers: ClinVar variation 3623749 (VCV003623749.2).